The following is an entry in ClinVar:

ClinVar aggregate classification (germline): Uncertain significance. Review status: criteria provided, multiple submitters, no conflicts (2 of 4 stars). 5 submissions from 5 submitters: Uncertain significance (5). Last evaluated 2023-09-08.

Conditions:
DNAJC21-related disorder. Also called: DNAJC21-related condition.
Inborn genetic diseases. Identifiers: MedGen C0950123, MeSH D030342.

Allele frequency attached by ClinVar (database versions not stated): gnomAD exomes 0.00003 and 0.00007; TOPMed 0.00003; gnomAD 0.00004; ESP Exome Variant Server 0.00008; ExAC 0.00002.
gnomAD v4.1: 111 of 1,613,378 alleles (0.0069%); highest among the groups gnomAD compares: Non-Finnish European, 0.0092%; no homozygotes.

Submissions (5):

PreventionGenetics, part of Exact Sciences
Classification: Uncertain significance for DNAJC21-related condition. Last evaluated: 2023-09-08. Review status: criteria provided, single submitter. Criteria: ACMG Guidelines, 2015. Collection method: clinical testing. Allele origin: germline.
Comment: The DNAJC21 c.1483A>C variant is predicted to result in the amino acid substitution p.Asn495His. To our knowledge, this variant has not been reported in the literature. This variant is reported in 0.0062% of alleles in individuals of European (Non-Finnish) descent in gnomAD. At this time, the clinical significance of this variant is uncertain due to the absence of conclusive functional and genetic evidence.

Genetic Services Laboratory, University of Chicago
Classification: Uncertain significance. Last evaluated: 2023-02-13. Review status: criteria provided, single submitter. Criteria: ACMG Guidelines, 2015. Collection method: clinical testing. Allele origin: germline. Affected: no.
Comment: DNA sequence analysis of the DNAJC21 gene demonstrated a sequence change, c.1483A>C, in exon 12 that results in an amino acid change, p.Asn495His. This sequence change does not appear to have been previously described in individuals with DNAJC21-related disorders. This sequence change has been described in the gnomAD database with a frequency of 0.006% in the European subpopulation (dbSNP rs372842170). The p.Asn495His change affects a highly conserved amino acid residue located in a domain of the DNAJC21 protein that is known to be functional. In-silico pathogenicity prediction tools (SIFT, PolyPhen2, Align GVGD, REVEL) provide contradictory results for the p.Asn495His substitution. Due to insufficient evidences and the lack of functional studies, the clinical significance of the p.Asn495His change remains unknown at this time.

Ambry Genetics
Classification: Uncertain significance for Inborn genetic diseases. Last evaluated: 2023-01-31. Review status: criteria provided, single submitter. Criteria: Ambry Variant Classification Scheme 2023. Collection method: clinical testing. Allele origin: germline.

Labcorp Genetics (formerly Invitae), Labcorp
Classification: Uncertain significance. Last evaluated: 2021-08-26. Review status: criteria provided, single submitter. Criteria: Invitae Variant Classification Sherloc (09022015). Collection method: clinical testing. Allele origin: germline.
Comment: This sequence change replaces asparagine with histidine at codon 495 of the DNAJC21 protein (p.Asn495His). The asparagine residue is highly conserved and there is a small physicochemical difference between asparagine and histidine. This variant is present in population databases (rs372842170, ExAC 0.004%). This variant has not been reported in the literature in individuals affected with DNAJC21-related conditions. Algorithms developed to predict the effect of missense changes on protein structure and function are either unavailable or do not agree on the potential impact of this missense change (SIFT: "Deleterious"; PolyPhen-2: "Probably Damaging"; Align-GVGD: "Class C0"). In summary, the available evidence is currently insufficient to determine the role of this variant in disease. Therefore, it has been classified as a Variant of Uncertain Significance.

GeneDx
Classification: Uncertain significance. Last evaluated: 2019-06-29. Review status: criteria provided, single submitter. Criteria: GeneDx Variant Classification Process June 2021. Collection method: clinical testing. Allele origin: germline. Affected: yes.
Comment: In silico analysis, which includes protein predictors and evolutionary conservation, supports a deleterious effect; Has not been previously published as pathogenic or benign to our knowledge

NM_001012339.3(DNAJC21):c.1483A>C (p.Asn495His)

Gene: DNAJC21 (DnaJ heat shock protein family (Hsp40) member C21; plus strand). Cytogenetic location: 5p13.2.
Variant type: single nucleotide variant.
Coding change: c.1483A>C on transcript NM_001012339.3 (MANE Select); coding-DNA position 1483, A replaced by C.
Protein change: p.Asn495His; replaces asparagine 495 with histidine.
Molecular consequence: missense variant.
Genome position (GRCh38, 1-based): chr5:34,954,601, A>C. VCF-style: chr5-34954601-A-C. GRCh37 (hg19) VCF-style: chr5-34954706-A-C.
Other names: c.1618A>C (NM_194283.3); c.1522A>C, p.Asn508His (NM_001348420.2); c.1618A>C, p.Asn540His (NM_194283.4); short protein forms N495H, N508H, N540H.
Identifiers: ClinVar variation 1302596 (VCV001302596.9), dbSNP rs372842170, ClinGen allele CA3228874.